The following is an entry in ClinVar:

NM_016507.4(CDK12):c.856C>A (p.Gln286Lys)

Genes: CDK12 (cyclin dependent kinase 12; plus strand), LOC126862553 (CDK7 strongly-dependent group 2 enhancer GRCh37_chr17:37618166-37619365; plus strand). Cytogenetic location: 17q12.
Variant type: single nucleotide variant.
Coding change: c.856C>A on transcript NM_016507.4 (MANE Select); coding-DNA position 856, C replaced by A.
Protein change: p.Gln286Lys; replaces glutamine 286 with lysine.
Molecular consequence: missense variant.
Genome position (GRCh38, 1-based): chr17:39,462,927, C>A. VCF-style: chr17-39462927-C-A. GRCh37 (hg19) VCF-style: chr17-37619180-C-A.
Other names: c.856C>A, p.Gln286Lys (NM_015083.4); short protein forms Q286K.
Identifiers: ClinVar variation 4224217 (VCV004224217.1).

ClinVar aggregate classification (germline): Uncertain significance (1 of 4 stars; one submission).

Submission:

Ambry Genetics
Classification: Uncertain significance. Last evaluated: 2025-06-23. Review status: criteria provided, single submitter. Criteria: Ambry Variant Classification Scheme 2023. Collection method: clinical testing. Allele origin: germline.
Comment: The p.Q286K variant (also known as c.856C>A), located in coding exon 1 of the CDK12 gene, results from a C to A substitution at nucleotide position 856. The glutamine at codon 286 is replaced by lysine, an amino acid with similar properties. This amino acid position is conserved. In addition, this alteration is predicted to be tolerated by in silico analysis. Based on the available evidence, the clinical significance of this variant remains unclear.